The following is an entry in ClinVar:

NM_152564.5(VPS13B):c.11885C>T (p.Pro3962Leu)

Gene: VPS13B (vacuolar protein sorting 13 homolog B; plus strand). Cytogenetic location: 8q22.2.
Variant type: single nucleotide variant.
Coding change: c.11885C>T on transcript NM_152564.5 (MANE Select); coding-DNA position 11885, C replaced by T.
Protein change: p.Pro3962Leu; replaces proline 3962 with leucine.
Molecular consequence: missense variant.
Genome position (GRCh38, 1-based): chr8:99,875,557, C>T. VCF-style: chr8-99875557-C-T. GRCh37 (hg19) VCF-style: chr8-100887785-C-T.
Other names: c.11960C>T, p.Pro3987Leu (NM_017890.5); short protein forms P3962L, P3987L.
Identifiers: ClinVar variation 4987850 (VCV004987850.1).

ClinVar aggregate classification (germline): Uncertain significance (1 of 4 stars; one submission).

Conditions:
VPS13B-related disorder. Also called: VPS13B-related condition.

gnomAD v4.1: 6 of 1,614,186 alleles (0.00037%); highest among the groups gnomAD compares: East Asian, 0.0067%; no homozygotes.

Submission:

PreventionGenetics, part of Exact Sciences
Classification: Uncertain significance for VPS13B-related condition. Last evaluated: 2026-05-31. Review status: criteria provided, single submitter. Criteria: ACMG Guidelines, 2015. Collection method: clinical testing. Allele origin: germline.
Comment: The VPS13B c.11885C>T variant is predicted to result in the amino acid substitution p.Pro3962Leu. To our knowledge, this variant has not been reported in the literature or in a large population database (gnomAD), indicating this variant is rare. At this time, the clinical significance of this variant is uncertain due to the absence of conclusive functional and genetic evidence.